The following is an entry in ClinVar:

NM_013275.6(ANKRD11):c.6440A>G (p.Asp2147Gly)

Gene: ANKRD11 (ankyrin repeat domain 11; minus strand). Cytogenetic location: 16q24.3.
Variant type: single nucleotide variant.
Coding change: c.6440A>G on transcript NM_013275.6 (MANE Select); coding-DNA position 6440, A replaced by G.
Protein change: p.Asp2147Gly; replaces aspartic acid 2147 with glycine.
Molecular consequence: missense variant.
Genome position (GRCh38, 1-based): chr16:89,280,102, T>C on the plus strand (A>G on the coding strand, the complement: ANKRD11 is on the minus strand). VCF-style: chr16-89280102-T-C. GRCh37 (hg19) VCF-style: chr16-89346510-T-C.
Other names: c.6440A>G, p.Asp2147Gly (NM_001256182.2, NM_001256183.2); short protein forms D2147G.
Identifiers: ClinVar variation 3681732 (VCV003681732.2).
Genomic context (GRCh38, chr16:89,280,102, plus strand): 5'-GGCATCTCTTCTGGAGGAGCAAGACTTTCTTCCACGGGTTCCGCTTCACCATCTGCGGCA[T>C]CTTTAGTCTGCAGGGGAAGCTCCGGCAGGGAGAAGGGCCCCAGGTCCAGGTCGTCCTCGG-3'
Protein context (NP_037407.4, residues 2137-2157): SLPELPLQTK[Asp2147Gly]AADGEAEPVE

ClinVar aggregate classification (germline): Uncertain significance (1 of 4 stars; one submission).

Conditions:
KBG syndrome (KBGS). Also called: ANKRD11-Related KBG Syndrome. Identifiers: Orphanet 2332, MedGen C0220687, MONDO:0007846, OMIM 148050.

gnomAD v4.1: 2 of 1,613,038 alleles (0.00012%); highest among the groups gnomAD compares: Admixed American, 0.0033%; no homozygotes.

Submission:

Labcorp Genetics (formerly Invitae), Labcorp
Classification: Uncertain significance for KBG syndrome. Last evaluated: 2024-11-21. Review status: criteria provided, single submitter. Criteria: Invitae Variant Classification Sherloc (09022015). Collection method: clinical testing. Allele origin: germline.
Comment: This sequence change replaces aspartic acid, which is acidic and polar, with glycine, which is neutral and non-polar, at codon 2147 of the ANKRD11 protein (p.Asp2147Gly). This variant is present in population databases (rs776735394, gnomAD 0.006%). This variant has not been reported in the literature in individuals affected with ANKRD11-related conditions. Invitae Evidence Modeling of protein sequence and biophysical properties (such as structural, functional, and spatial information, amino acid conservation, physicochemical variation, residue mobility, and thermodynamic stability) indicates that this missense variant is not expected to disrupt ANKRD11 protein function with a negative predictive value of 95%. In summary, the available evidence is currently insufficient to determine the role of this variant in disease. Therefore, it has been classified as a Variant of Uncertain Significance.